The following is an entry in ClinVar:

ClinVar aggregate classification (germline): Conflicting classifications of pathogenicity. Review status: criteria provided, conflicting classifications (1 of 4 stars). 7 submissions from 7 submitters: Uncertain significance (4); Likely benign (2). 1 of the submissions does not count toward it. Last evaluated 2025-12-02.

Conditions:
Hereditary breast ovarian cancer syndrome. Also called: Hereditary breast and ovarian cancer syndrome; Hereditary breast and ovarian cancer; Hereditary breast and ovarian cancer syndrome (HBOC); Breast and ovarian cancer; Hereditary breast and/or ovarian cancer syndrome; BRCA1- and BRCA2-Associated Hereditary Breast and Ovarian Cancer. Identifiers: Orphanet 145, MedGen C0677776, MeSH D061325, MONDO:0003582. Disease mechanism: loss of function.
Hereditary cancer-predisposing syndrome. Also called: Neoplastic Syndromes, Hereditary; Tumor predisposition; Hereditary neoplastic syndrome; Hereditary Cancer Syndrome. Identifiers: Orphanet 140162, MedGen C0027672, MeSH D009386, MONDO:0015356.
Breast-ovarian cancer, familial, susceptibility to, 2 (BROVCA2). Also called: BRCA2 Hereditary Breast and Ovarian Cancer. Identifiers: Orphanet 145, MedGen C2675520, MONDO:0012933, OMIM 612555. Disease mechanism: loss of function.

Submissions (7):

Ambry Genetics
Classification: Likely benign for Hereditary cancer-predisposing syndrome. Last evaluated: 2025-12-02. Review status: criteria provided, single submitter. Criteria: Ambry Variant Classification Scheme 2023. Collection method: clinical testing. Allele origin: germline.

Quest Diagnostics Nichols Institute San Juan Capistrano
Classification: Uncertain significance. Last evaluated: 2025-03-19. Review status: criteria provided, single submitter. Criteria: Quest Diagnostics criteria. Collection method: clinical testing. Allele origin: unknown.
Comment: The BRCA2 c.5804A>G (p.Asn1935Ser) variant has been reported in the published literature in individuals with colon cancer or blood cancer (PMID: 32778766 (2020)), and described to be located in a region of the BRCA2 gene that is tolerant to missense sequence changes (PMID: 31911673 (2020)). This variant has not been reported in large, multi-ethnic general populations (Genome Aggregation Database). Analysis of this variant using bioinformatics tools for the prediction of the effect of amino acid changes on protein structure and function yielded predictions that this variant is benign. Based on the available information, we are unable to determine the clinical significance of this variant.

Color Diagnostics, LLC DBA Color Health
Classification: Uncertain significance for Hereditary cancer-predisposing syndrome. Last evaluated: 2024-03-06. Review status: criteria provided, single submitter. Criteria: ACMG Guidelines, 2015. Collection method: clinical testing. Allele origin: germline.
Comment: This missense variant replaces asparagine with serine at codon 1935 of the BRCA2 protein. Computational prediction suggests that this variant may not impact protein structure and function. To our knowledge, functional studies have not been reported for this variant. This variant has not been reported in individuals affected with hereditary cancer in the literature. This variant has not been identified in the general population by the Genome Aggregation Database (gnomAD). The available evidence is insufficient to determine the role of this variant in disease conclusively. Therefore, this variant is classified as a Variant of Uncertain Significance.

Labcorp Genetics (formerly Invitae), Labcorp
Classification: Uncertain significance for Hereditary breast ovarian cancer syndrome. Last evaluated: 2023-11-16. Review status: criteria provided, single submitter. Criteria: Invitae Variant Classification Sherloc (09022015). Collection method: clinical testing. Allele origin: germline.
Comment: This sequence change replaces asparagine, which is neutral and polar, with serine, which is neutral and polar, at codon 1935 of the BRCA2 protein (p.Asn1935Ser). This variant is not present in population databases (gnomAD no frequency). This missense change has been observed in individual(s) with clinical features of BRCA2-related conditions (PMID: 10923033). ClinVar contains an entry for this variant (Variation ID: 51942). Advanced modeling of protein sequence and biophysical properties (such as structural, functional, and spatial information, amino acid conservation, physicochemical variation, residue mobility, and thermodynamic stability) performed at Invitae indicates that this missense variant is not expected to disrupt BRCA2 protein function with a negative predictive value of 95%. In summary, the available evidence is currently insufficient to determine the role of this variant in disease. Therefore, it has been classified as a Variant of Uncertain Significance.

University of Washington Department of Laboratory Medicine, University of Washington
Classification: Likely benign for Hereditary cancer-predisposing syndrome. Last evaluated: 2023-03-23. Review status: criteria provided, single submitter. Criteria: Dines et al. (Genet Med. 2020). Collection method: curation. Allele origin: germline.
Comment: Missense variant in a coldspot region where missense variants are very unlikely to be pathogenic (PMID:31911673).

BRCA2 exon 11 coldspot. Reclassification based on statistical prior probability.

GeneDx
Classification: Uncertain significance. Last evaluated: 2023-03-01. Review status: criteria provided, single submitter. Criteria: GeneDx Variant Classification Process June 2021. Collection method: clinical testing. Allele origin: germline. Affected: yes.
Comment: Observed in individuals with colon or hematologic cancer (Rasnic et al., 2020); In silico analysis supports that this missense variant does not alter protein structure/function; Not observed at significant frequency in large population cohorts (gnomAD); Also known as 6032A>G; This variant is associated with the following publications: (PMID: 29884841, 32377563, 32778766)

Breast Cancer Information Core (BIC) (BRCA2)
Classification: Uncertain significance for Breast-ovarian cancer, familial 2. Last evaluated: 2002-06-20. Review status: no assertion criteria provided. Collection method: clinical testing. Allele origin: germline. Affected: yes. Observed: 1 variant allele. Not counted in ClinVar's aggregate classification.

Literature cited by the submitters: PubMed 31911673 (cited by Quest Diagnostics Nichols Institute San Juan Capistrano); PubMed 32778766 (cited by Quest Diagnostics Nichols Institute San Juan Capistrano); PubMed 10923033 (cited by Labcorp Genetics (formerly Invitae), Labcorp).

NM_000059.4(BRCA2):c.5804A>G (p.Asn1935Ser)

Gene: BRCA2 (BRCA2 DNA repair associated; plus strand). Cytogenetic location: 13q13.1.
Variant type: single nucleotide variant.
Coding change: c.5804A>G on transcript NM_000059.4 (MANE Select); coding-DNA position 5804, A replaced by G.
Protein change: p.Asn1935Ser; replaces asparagine 1935 with serine.
Molecular consequence: missense variant.
Genome position (GRCh38, 1-based): chr13:32,340,159, A>G. VCF-style: chr13-32340159-A-G. GRCh37 (hg19) VCF-style: chr13-32914296-A-G.
Other names: short protein forms N1935S.
Identifiers: ClinVar variation 51942 (VCV000051942.20), dbSNP rs80358808, ClinGen allele CA023260.